The following is an entry in ClinVar:

ClinVar aggregate classification (germline): Likely pathogenic (0 of 4 stars; one submission).

Conditions:
Pyruvate dehydrogenase E1-alpha deficiency (PDHAD). Also called: ATAXIA, INTERMITTENT, WITH PYRUVATE DEHYDROGENASE DEFICIENCY; ATAXIA WITH LACTIC ACIDOSIS I; ATAXIA, INTERMITTENT, WITH ABNORMAL PYRUVATE METABOLISM; Ataxia, intermittent, with pyruvate dehydrogenase, or decarboxylase, deficiency. Identifiers: Orphanet 79243, MedGen C1839413, MONDO:0010717, OMIM 312170.

Submission:

PDHA1 Study Group, University Children’s Hospital, Paracelsus Medical University
Classification: Likely pathogenic for Pyruvate dehydrogenase E1-alpha deficiency. Last evaluated: 2024-10-15. Review status: no assertion criteria provided. Collection method: research. Allele origin: germline. Affected: yes. Observed: 1 variant allele.
Comment: The NM_000284.3:c.1071_1088dup (p.Glu362_Glu363insAspGluProProLeuGlu) change is a deletion-insertion (delins) variant in PDHA1 gene. The variant has been reported in 1 published case (PMIDs: 8598635). Last literature search: July 12, 2024. This variant is absent or extremely rare in population-based cohorts in the Genome Aggregation Database (gnomAD). Individuals harboring this variant presented with clinical features compatible with PDHA1-related PDHc deficiency. In summary, this variant meets criteria to be classified as likely pathogenic (LP) for PDHA1-related PDHc deficiency based on the ACMG/AMP criteria applied: PM1, PM2, PM4 (last assessment October 15, 2024).

Literature cited by the submitters: PubMed 8598635; DOI 10.1093/brain/awaf430.

NM_000284.4(PDHA1):c.1071_1088dup (p.Glu362_Glu363insAspGluProProLeuGlu)

Gene: PDHA1 (pyruvate dehydrogenase E1 subunit alpha 1; plus strand). Cytogenetic location: Xp22.12.
Variant type: Duplication.
Coding change: c.1071_1088dup on transcript NM_000284.4 (MANE Select); coding-DNA positions 1071 to 1088, 18 bases duplicated (TGAGCCACCTTTGGAAGA).
Protein change: p.Glu362_Glu363insAspGluProProLeuGlu.
Molecular consequence: inframe insertion.
Genome position (GRCh38, 1-based): chrX:19,359,551-19,359,568, TGAGCCACCTTTGGAAGA duplicated. VCF-style (leftmost placement, unchanged base first): chrX-19359550-C-CTGAGCCACCTTTGGAAGA. GRCh37 (hg19) VCF-style: chrX-19377668-C-CTGAGCCACCTTTGGAAGA.
Other names: c.1185_1202dup, p.Glu400_Glu401insAspGluProProLeuGlu (NM_001173454.2); c.1092_1109dup, p.Glu369_Glu370insAspGluProProLeuGlu (NM_001173455.2); c.978_995dup, p.Glu331_Glu332insAspGluProProLeuGlu (NM_001173456.2).
Identifiers: ClinVar variation 4070442 (VCV004070442.1).
Genomic context (GRCh38, chrX:19,359,550, plus strand): 5'-AAATTGATGTGGAAGTGAGGAAGGAGATTGAGGATGCTGCCCAGTTTGCCACGGCCGATC[C>CTGAGCCACCTTTGGAAGA]TGAGCCACCTTTGGAAGAGCTGGGCTACCACATCTACTCCAGCGACCCACCTTTTGAAGT-3'